The following is an entry in ClinVar:

ClinVar aggregate classification (germline): Uncertain significance. Review status: criteria provided, multiple submitters, no conflicts (2 of 4 stars). 2 submissions from 2 submitters: Uncertain significance (2). Last evaluated 2023-12-08.

Conditions:
Hyper-IgE recurrent infection syndrome 3, autosomal recessive. Also called: Autosomal recessive hyper-IgE syndrome due to ZNF341 deficiency; HYPER-IgE SYNDROME 3, AUTOSOMAL RECESSIVE, WITH RECURRENT INFECTIONS. Identifiers: Orphanet 641368, MedGen C4748969, MONDO:0032654, OMIM 618282.

Allele frequency attached by ClinVar (database versions not stated): gnomAD exomes below 0.00001; TOPMed below 0.00001.
gnomAD v4.1: 10 of 1,614,030 alleles (0.00062%); highest among the groups gnomAD compares: Admixed American, 0.0017%; no homozygotes.

Submissions (2):

Mayo Clinic Laboratories, Mayo Clinic
Classification: Uncertain significance. Last evaluated: 2023-12-08. Review status: criteria provided, single submitter. Criteria: ACMG Guidelines, 2015. Collection method: clinical testing. Allele origin: germline. Observed: 1 variant allele.
Comment: BP4, PM2

Labcorp Genetics (formerly Invitae), Labcorp
Classification: Uncertain significance for Combined immunodeficiency due to DOCK8 deficiency. Last evaluated: 2021-07-22. Review status: criteria provided, single submitter. Criteria: Invitae Variant Classification Sherloc (09022015). Collection method: clinical testing. Allele origin: germline.
Comment: In summary, the available evidence is currently insufficient to determine the role of this variant in disease. Therefore, it has been classified as a Variant of Uncertain Significance. Algorithms developed to predict the effect of missense changes on protein structure and function are either unavailable or do not agree on the potential impact of this missense change (SIFT: "Tolerated"; PolyPhen-2: "Possibly Damaging"; Align-GVGD: "Class C0"). This variant has not been reported in the literature in individuals with DOCK8-related conditions. This variant is not present in population databases (ExAC no frequency). This sequence change replaces valine with methionine at codon 662 of the DOCK8 protein (p.Val662Met). The valine residue is moderately conserved and there is a small physicochemical difference between valine and methionine.

NM_203447.4(DOCK8):c.1984G>A (p.Val662Met)

Gene: DOCK8 (dedicator of cytokinesis 8; plus strand). Cytogenetic location: 9p24.3.
Variant type: single nucleotide variant.
Coding change: c.1984G>A on transcript NM_203447.4 (MANE Select); coding-DNA position 1984, G replaced by A.
Protein change: p.Val662Met; replaces valine 662 with methionine.
Molecular consequence: missense variant.
Genome position (GRCh38, 1-based): chr9:371,543, G>A. VCF-style: chr9-371543-G-A. GRCh37 (hg19) VCF-style: chr9-371543-G-A.
Other names: p.Val662Met; c.1780G>A, p.Val594Met (NM_001190458.2, NM_001193536.2); short protein forms V594M, V662M.
Identifiers: ClinVar variation 949933 (VCV000949933.9), dbSNP rs1241904702, ClinGen allele CA372761594.